The following is an entry in ClinVar:

ClinVar aggregate classification (germline): Conflicting classifications of pathogenicity. Review status: criteria provided, conflicting classifications (1 of 4 stars). 3 submissions from 3 submitters: Uncertain significance (1); Benign (1); Likely benign (1). Last evaluated 2026-05-01.

Conditions:
Autoinflammation-PLCG2-associated antibody deficiency-immune dysregulation. Also called: Autoinflammation, antibody deficiency, and immune dysregulation, plcg2-associated; Autoinflammation, antibody deficiency, and immune dysregulation syndrome; AUTOINFLAMMATION, ANTIBODY DEFICIENCY, AND IMMUNE DYSREGULATION. Identifiers: Orphanet 324530, MedGen C3553961, MONDO:0013944, OMIM 614878.
Familial cold autoinflammatory syndrome 3 (FCAS3). Also called: FAMILIAL ATYPICAL COLD URTICARIA; ANTIBODY DEFICIENCY AND IMMUNE DYSREGULATION, PLCG2-ASSOCIATED. Identifiers: Orphanet 300359, MedGen C3280914, MONDO:0013766, OMIM 614468.

Allele frequency attached by ClinVar (database versions not stated): gnomAD 0.00005 and 0.00004; TOPMed 0.00005; gnomAD exomes 0.00008; ExAC 0.00007.
gnomAD v4.1: 155 of 1,574,980 alleles (0.0098%); highest among the groups gnomAD compares: Non-Finnish European, 0.013%; no homozygotes.

Submissions (3):

Women's Health and Genetics/Laboratory Corporation of America, LabCorp
Classification: Benign. Last evaluated: 2026-05-01. Review status: criteria provided, single submitter. Criteria: LabCorp Variant Classification Summary - May 2015. Collection method: clinical testing. Allele origin: germline.

Labcorp Genetics (formerly Invitae), Labcorp
Classification: Likely benign for Familial cold autoinflammatory syndrome 3. Last evaluated: 2026-01-26. Review status: criteria provided, single submitter. Criteria: Invitae Variant Classification Sherloc (09022015). Collection method: clinical testing. Allele origin: germline.

Baylor Genetics
Classification: Uncertain significance for Autoinflammation-PLCG2-associated antibody deficiency-immune dysregulation. Last evaluated: 2018-03-01. Review status: criteria provided, single submitter. Criteria: ACMG Guidelines, 2015. Collection method: clinical testing. Allele origin: paternal. Affected: yes.
Comment: This variant was determined to be of uncertain significance according to ACMG Guidelines, 2015 [PMID:25741868].

NM_002661.5(PLCG2):c.564+19C>T

Gene: PLCG2 (phospholipase C gamma 2; plus strand). Cytogenetic location: 16q23.3.
Variant type: single nucleotide variant.
Coding change: c.564+19C>T on transcript NM_002661.5 (MANE Select); 19 bases into the intron after coding-DNA position 564, C replaced by T.
Molecular consequence: intron variant.
Genome position (GRCh38, 1-based): chr16:81,869,317, C>T. VCF-style: chr16-81869317-C-T. GRCh37 (hg19) VCF-style: chr16-81902922-C-T.
Identifiers: ClinVar variation 1033529 (VCV001033529.10), dbSNP rs564767670, ClinGen allele CA8193269.